The following is an entry in ClinVar:

ClinVar aggregate classification (germline): Likely pathogenic (1 of 4 stars; one submission).

gnomAD v4.1: 1 of 1,611,546 alleles (0.000062%); highest among the groups gnomAD compares: Non-Finnish European, 0.000085%; no homozygotes.

Submission:

GeneDx
Classification: Likely pathogenic. Last evaluated: 2026-02-27. Review status: criteria provided, single submitter. Criteria: GeneDx Variant Classification Process June 2021. Collection method: clinical testing. Allele origin: germline.
Comment: Canonical splice site variant predicted to result in an in-frame loss of the adjacent exon in a gene for which loss of function is a known mechanism of disease; Not observed at significant frequency in large population cohorts (gnomAD); Has not been previously published as pathogenic or benign to our knowledge

NM_000540.3(RYR1):c.2682+1G>T

Gene: RYR1 (ryanodine receptor 1; plus strand). Cytogenetic location: 19q13.2.
Variant type: single nucleotide variant.
Coding change: c.2682+1G>T on transcript NM_000540.3 (MANE Select); the canonical splice donor site of the intron after coding-DNA position 2682, G replaced by T.
Molecular consequence: splice donor variant.
Genome position (GRCh38, 1-based): chr19:38,463,528, G>T. VCF-style: chr19-38463528-G-T. GRCh37 (hg19) VCF-style: chr19-38954168-G-T.
Other names: c.2682+1G>T (NM_001042723.2).
Identifiers: ClinVar variation 3903055 (VCV003903055.2).